The following is an entry in ClinVar:

ClinVar aggregate classification (germline): Conflicting classifications of pathogenicity. Review status: criteria provided, conflicting classifications (1 of 4 stars). 2 submissions from 2 submitters: Uncertain significance (1); Likely benign (1). Last evaluated 2025-08-03.

Conditions:
Inborn genetic diseases. Identifiers: MedGen C0950123, MeSH D030342.

Allele frequency attached by ClinVar (database versions not stated): gnomAD exomes 0.00005; ExAC 0.00009; gnomAD 0.00011; TOPMed 0.00012; 1000 Genomes Project 30x 0.00047; 1000 Genomes Project 0.00060.
gnomAD v4.1: 95 of 1,612,306 alleles (0.0059%); highest among the groups gnomAD compares: East Asian, 0.022%; no homozygotes.

Submissions (2):

Ambry Genetics
Classification: Uncertain significance for Inborn genetic diseases. Last evaluated: 2025-08-03. Review status: criteria provided, single submitter. Criteria: Ambry Variant Classification Scheme 2023. Collection method: clinical testing. Allele origin: germline.

CeGaT Center for Human Genetics Tuebingen
Classification: Likely benign. Last evaluated: 2023-01-01. Review status: criteria provided, single submitter. Criteria: CeGaT Center For Human Genetics Tuebingen Variant Classification Criteria Version 2. Collection method: clinical testing. Allele origin: germline. Affected: yes. Observed: 1 variant allele.
Comment: MTCL1: BP4

NM_001395333.1(MTCL1):c.5675G>A (p.Arg1892Gln)

Gene: MTCL1 (microtubule crosslinking factor 1; plus strand). Cytogenetic location: 18p11.22.
Variant type: single nucleotide variant.
Coding change: c.5675G>A on transcript NM_001395333.1 (MANE Select); coding-DNA position 5675, G replaced by A.
Protein change: p.Arg1892Gln; replaces arginine 1892 with glutamine.
Molecular consequence: missense variant.
Genome position (GRCh38, 1-based): chr18:8,826,105, G>A. VCF-style: chr18-8826105-G-A. GRCh37 (hg19) VCF-style: chr18-8826103-G-A.
Other names: c.5552G>A, p.Arg1851Gln (NM_001378205.1, NM_001378207.1); c.5675G>A, p.Arg1892Gln (NM_001378206.1); c.4472G>A, p.Arg1491Gln (NM_001395220.1); c.4595G>A, p.Arg1532Gln (NM_015210.4); c.4595G>A (NM_015210.3); short protein forms R1491Q, R1532Q, R1851Q, R1892Q.
Identifiers: ClinVar variation 2648563 (VCV002648563.25), dbSNP rs574852095, ClinGen allele CA8886904.